The following is an entry in ClinVar:

ClinVar aggregate classification (germline): Likely benign. Review status: criteria provided, multiple submitters, no conflicts (2 of 4 stars). 4 submissions from 4 submitters: Likely benign (4). Last evaluated 2025-08-31.

Conditions:
Hereditary spastic paraplegia 30. Identifiers: Orphanet 101010, MedGen C5235139, MONDO:0012476.
Neuropathy, hereditary sensory, type 2C. Also called: KIF1A-Related HSAN2 (HSAN2C); Hereditary sensory and autonomic neuropathy type IIC. Identifiers: Orphanet 970, MedGen C3280168, MONDO:0013634, OMIM 614213.
Intellectual disability, autosomal dominant 9 (NESCAVS). Also called: NESCAV SYNDROME; KIF1A-Related Neurodevelopmental Disorder. Identifiers: Orphanet 662367, MedGen C5393830, MONDO:0013656, OMIM 614255.
Inborn genetic diseases. Identifiers: MedGen C0950123, MeSH D030342.

Allele frequency attached by ClinVar (database versions not stated): TOPMed 0.00003; ExAC 0.00004; gnomAD 0.00004 and 0.00005.
gnomAD v4.1: 82 of 1,611,912 alleles (0.0051%); highest among the groups gnomAD compares: East Asian, 0.076%; 1 homozygote.

Submissions (4):

Labcorp Genetics (formerly Invitae), Labcorp
Classification: Likely benign for Hereditary spastic paraplegia 30; Neuropathy, hereditary sensory, type 2C; Intellectual disability, autosomal dominant 9. Last evaluated: 2025-08-31. Review status: criteria provided, single submitter. Criteria: Invitae Variant Classification Sherloc (09022015). Collection method: clinical testing. Allele origin: germline.

Blueprint Genetics
Classification: Likely benign. Last evaluated: 2024-10-07. Review status: criteria provided, single submitter. Criteria: ACMG Guidelines, 2015. Collection method: clinical testing. Allele origin: germline.

CeGaT Center for Human Genetics Tuebingen
Classification: Likely benign. Last evaluated: 2022-03-01. Review status: criteria provided, single submitter. Criteria: CeGaT Center For Human Genetics Tuebingen Variant Classification Criteria Version 2. Collection method: clinical testing. Allele origin: germline. Affected: yes. Observed: 1 variant allele.
Comment: KIF1A: BP4, BP7

Ambry Genetics
Classification: Likely benign for Inborn genetic diseases. Last evaluated: 2016-07-05. Review status: criteria provided, single submitter. Criteria: Ambry Variant Classification Scheme 2023. Collection method: clinical testing. Allele origin: germline.

NM_001244008.2(KIF1A):c.3576C>T (p.Asp1192=)

Gene: KIF1A (kinesin family member 1A; minus strand). Cytogenetic location: 2q37.3.
Variant type: single nucleotide variant.
Coding change: c.3576C>T on transcript NM_001244008.2 (MANE Select); coding-DNA position 3576, C replaced by T.
Protein change: p.Asp1192=; no amino-acid change (aspartic acid 1192 retained).
Molecular consequence: synonymous variant.
Genome position (GRCh38, 1-based): chr2:240,743,950, G>A on the plus strand (C>T on the coding strand, the complement: KIF1A is on the minus strand). VCF-style: chr2-240743950-G-A. GRCh37 (hg19) VCF-style: chr2-241683367-G-A.
Other names: c.3300C>T, p.Asp1100= (NM_001320705.2, NM_001330289.2, NM_001379638.1); c.3375C>T, p.Asp1125= (NM_001330290.2, NM_001379634.1, NM_001379635.1 and 1 more transcripts); c.3651C>T, p.Asp1217= (NM_001379631.1); c.3525C>T, p.Asp1175= (NM_001379632.1); c.3549C>T, p.Asp1183= (NM_001379633.1, NM_001379642.1, NM_001379645.1); c.3273C>T, p.Asp1091= (NM_001379636.1, NM_001379639.1, NM_001379641.1 and 5 more transcripts); c.3348C>T, p.Asp1116= (NM_001379637.1, NM_001379648.1); c.3270C>T, p.Asp1090= (NM_001379640.1).
Identifiers: ClinVar variation 587991 (VCV000587991.40), dbSNP rs773965535, ClinGen allele CA2207775.